The following is an entry in ClinVar:

ClinVar aggregate classification (germline): Conflicting classifications of pathogenicity. Review status: criteria provided, conflicting classifications (1 of 4 stars). 3 submissions from 3 submitters: Uncertain significance (2); Benign (1). Last evaluated 2025-08-11.

Conditions:
X-linked distal spinal muscular atrophy type 3. Also called: SPINAL MUSCULAR ATROPHY, DISTAL, X-LINKED RECESSIVE; NEURONOPATHY, DISTAL HEREDITARY MOTOR, X-LINKED; NEUROPATHY, DISTAL HEREDITARY MOTOR, X-LINKED; ATP7A-Related Distal Motor Neuropathy. Identifiers: Orphanet 139557, MedGen C1845359, MONDO:0010338, OMIM 300489.
Menkes kinky-hair syndrome (MNK). Also called: Copper transport disease; Classic Menkes Disease; Menkes Disease. Identifiers: Orphanet 565, MedGen C0022716, MONDO:0010651, OMIM 309400.
Cutis laxa, X-linked (OHS). Also called: EDS IX; Occipital horn syndrome. Identifiers: Orphanet 198, MedGen C0268353, MONDO:0010572, OMIM 304150.
Inborn genetic diseases. Identifiers: MedGen C0950123, MeSH D030342.

Allele frequency attached by ClinVar (database versions not stated): ExAC 0.00001; gnomAD 0.00002.
gnomAD v4.1: 5 of 1,207,137 alleles (0.00041%); highest among the groups gnomAD compares: African/African-American, 0.0053%; no homozygotes.

Submissions (3):

Labcorp Genetics (formerly Invitae), Labcorp
Classification: Benign for X-linked distal spinal muscular atrophy type 3; Cutis laxa, X-linked; Menkes kinky-hair syndrome. Last evaluated: 2025-08-11. Review status: criteria provided, single submitter. Criteria: Invitae Variant Classification Sherloc (09022015). Collection method: clinical testing. Allele origin: germline.

GeneDx
Classification: Uncertain significance. Last evaluated: 2024-03-18. Review status: criteria provided, single submitter. Criteria: GeneDx Variant Classification Process June 2021. Collection method: clinical testing. Allele origin: germline. Affected: yes.
Comment: Has not been previously published as pathogenic or benign to our knowledge; In silico analysis supports that this missense variant does not alter protein structure/function

Ambry Genetics
Classification: Uncertain significance for Inborn genetic diseases. Last evaluated: 2020-09-14. Review status: criteria provided, single submitter. Criteria: Ambry Variant Classification Scheme 2023. Collection method: clinical testing. Allele origin: germline.
Comment: The p.K1039R variant (also known as c.3116A>G), located in coding exon 15 of the ATP7A gene, results from an A to G substitution at nucleotide position 3116. The lysine at codon 1039 is replaced by arginine, an amino acid with highly similar properties. This allele was reported in one hemizygous individual in population-based cohorts in the Genome Aggregation Database (gnomAD). This amino acid position is not well conserved in available vertebrate species. In addition, the in silico prediction for this alteration is inconclusive. Since supporting evidence is limited at this time, the clinical significance of this alteration remains unclear.

NM_000052.7(ATP7A):c.3116A>G (p.Lys1039Arg)

Gene: ATP7A (ATPase copper transporting alpha; plus strand). Cytogenetic location: Xq21.1.
Variant type: single nucleotide variant.
Coding change: c.3116A>G on transcript NM_000052.7 (MANE Select); coding-DNA position 3116, A replaced by G.
Protein change: p.Lys1039Arg; replaces lysine 1039 with arginine.
Molecular consequence: missense variant. On other transcripts: non-coding transcript variant (1).
Genome position (GRCh38, 1-based): chrX:78,031,404, A>G. VCF-style: chrX-78031404-A-G. GRCh37 (hg19) VCF-style: chrX-77286902-A-G.
Other names: c.2882A>G, p.Lys961Arg (NM_001282224.2); short protein forms K961R, K1039R.
Identifiers: ClinVar variation 1727801 (VCV001727801.8), dbSNP rs781968399, ClinGen allele CA10459384.